The following is an entry in ClinVar:

NM_006514.4(SCN10A):c.2993C>T (p.Pro998Leu)

Genes: SCN10A (sodium voltage-gated channel alpha subunit 10; minus strand), LOC110121288 (VISTA enhancer hs2268; plus strand). Cytogenetic location: 3p22.2.
Variant type: single nucleotide variant.
Coding change: c.2993C>T on transcript NM_006514.4 (MANE Select); coding-DNA position 2993, C replaced by T.
Protein change: p.Pro998Leu; replaces proline 998 with leucine.
Molecular consequence: missense variant.
Genome position (GRCh38, 1-based): chr3:38,726,700, G>A on the plus strand (C>T on the coding strand, the complement: SCN10A is on the minus strand). VCF-style: chr3-38726700-G-A. GRCh37 (hg19) VCF-style: chr3-38768191-G-A.
Other names: c.2993C>T, p.Pro998Leu (NM_001293306.2); c.2699C>T, p.Pro900Leu (NM_001293307.2); short protein forms P998L, P900L.
Identifiers: ClinVar variation 1040601 (VCV001040601.2), dbSNP rs775672433, ClinGen allele CA2320391.
Genomic context (GRCh38, chr3:38,726,700, plus strand): 5'-TGAGCATCTTCCCCACCATCATCCTCCAAGTCATCAAGATCAGATTCACCCTCAGCAATG[G>A]GCACAGAGACCCACACAGTCGGATTAGCGATGAAGTCACTGTGCTCATCCCTGGGGCCTC-3'
Protein context (NP_006505.4, residues 988-1008): IANPTVWVSV[Pro998Leu]IAEGESDLDD

ClinVar aggregate classification (germline): Uncertain significance (1 of 4 stars; one submission).

Conditions:
Brugada syndrome. Also called: Sudden unexpected nocturnal death syndrome; Sudden Unexplained Death Syndrome; Sudden Unexplained Nocturnal Death Syndrome (SUNDS); Sudden unexplained nocturnal death syndrome. Identifiers: Orphanet 130, MedGen C1142166, MONDO:0015263.

Allele frequency attached by ClinVar (database versions not stated): gnomAD exomes below 0.00001 and 0.00001; ExAC 0.00001.
gnomAD v4.1: 4 of 1,612,242 alleles (0.00025%); highest among the groups gnomAD compares: Middle Eastern, 0.033%; no homozygotes.

Submission:

Labcorp Genetics (formerly Invitae), Labcorp
Classification: Uncertain significance for Brugada syndrome. Last evaluated: 2021-09-24. Review status: criteria provided, single submitter. Criteria: Invitae Variant Classification Sherloc (09022015). Collection method: clinical testing. Allele origin: germline.
Comment: This sequence change replaces proline with leucine at codon 998 of the SCN10A protein (p.Pro998Leu). The proline residue is highly conserved and there is a moderate physicochemical difference between proline and leucine. This variant is present in population databases (rs775672433, ExAC 0.002%). This variant has not been reported in the literature in individuals affected with SCN10A-related conditions. Algorithms developed to predict the effect of missense changes on protein structure and function are either unavailable or do not agree on the potential impact of this missense change (SIFT: "Deleterious"; PolyPhen-2: "Probably Damaging"; Align-GVGD: "Class C0"). In summary, the available evidence is currently insufficient to determine the role of this variant in disease. Therefore, it has been classified as a Variant of Uncertain Significance.